The following is an entry in ClinVar:

ClinVar aggregate classification (germline): Uncertain significance (1 of 4 stars; one submission).

Conditions:
Cardiovascular phenotype. Identifiers: MedGen CN230736.

gnomAD v4.1: 1 of 1,613,460 alleles (0.000062%); highest among the groups gnomAD compares: South Asian, 0.0011%; no homozygotes.

Submission:

Ambry Genetics
Classification: Uncertain significance for Cardiovascular phenotype. Last evaluated: 2021-02-24. Review status: criteria provided, single submitter. Criteria: Ambry Variant Classification Scheme 2023. Collection method: clinical testing. Allele origin: germline.
Comment: The p.F279L variant (also known as c.837C>G), located in coding exon 6 of the GPD1L gene, results from a C to G substitution at nucleotide position 837. The phenylalanine at codon 279 is replaced by leucine, an amino acid with highly similar properties. This amino acid position is highly conserved in available vertebrate species. In addition, this alteration is predicted to be tolerated by in silico analysis. Since supporting evidence is limited at this time, the clinical significance of this alteration remains unclear.

NM_015141.4(GPD1L):c.837C>G (p.Phe279Leu)

Gene: GPD1L (glycerol-3-phosphate dehydrogenase 1 like; plus strand). Cytogenetic location: 3p22.3.
Variant type: single nucleotide variant.
Coding change: c.837C>G on transcript NM_015141.4 (MANE Select); coding-DNA position 837, C replaced by G.
Protein change: p.Phe279Leu; replaces phenylalanine 279 with leucine.
Molecular consequence: missense variant.
Genome position (GRCh38, 1-based): chr3:32,159,094, C>G. VCF-style: chr3-32159094-C-G. GRCh37 (hg19) VCF-style: chr3-32200586-C-G.
Other names: short protein forms F279L.
Identifiers: ClinVar variation 1763141 (VCV001763141.2), dbSNP rs376724853, ClinGen allele CA351969537.